The following is an entry in ClinVar:

ClinVar aggregate classification (germline): Uncertain significance (1 of 4 stars; one submission).

Submission:

Labcorp Genetics (formerly Invitae), Labcorp
Classification: Uncertain significance. Last evaluated: 2025-02-17. Review status: criteria provided, single submitter. Criteria: Invitae Variant Classification Sherloc (09022015). Collection method: clinical testing. Allele origin: germline.
Comment: This sequence change replaces aspartic acid, which is acidic and polar, with glutamic acid, which is acidic and polar, at codon 56 of the RHAG protein (p.Asp56Glu). This variant is not present in population databases (gnomAD no frequency). This variant has not been reported in the literature in individuals affected with RHAG-related conditions. ClinVar contains an entry for this variant (Variation ID: 2802674). Invitae Evidence Modeling of protein sequence and biophysical properties (such as structural, functional, and spatial information, amino acid conservation, physicochemical variation, residue mobility, and thermodynamic stability) indicates that this missense variant is expected to disrupt RHAG protein function with a positive predictive value of 80%. In summary, the available evidence is currently insufficient to determine the role of this variant in disease. Therefore, it has been classified as a Variant of Uncertain Significance.

NM_000324.3(RHAG):c.168T>A (p.Asp56Glu)

Gene: RHAG (Rh associated glycoprotein; minus strand). Cytogenetic location: 6p12.3.
Variant type: single nucleotide variant.
Coding change: c.168T>A on transcript NM_000324.3 (MANE Select); coding-DNA position 168, T replaced by A.
Protein change: p.Asp56Glu; replaces aspartic acid 56 with glutamic acid.
Molecular consequence: missense variant.
Genome position (GRCh38, 1-based): chr6:49,619,352, A>T on the plus strand (T>A on the coding strand, the complement: RHAG is on the minus strand). VCF-style: chr6-49619352-A-T. GRCh37 (hg19) VCF-style: chr6-49587065-A-T.
Other names: short protein forms D56E.
Identifiers: ClinVar variation 2802674 (VCV002802674.3), dbSNP rs1277820722, ClinGen allele CA364403809.